The following is an entry in ClinVar:

NM_014629.4(ARHGEF10):c.325G>A (p.Val109Met)

Gene: ARHGEF10 (Rho guanine nucleotide exchange factor 10; plus strand). Cytogenetic location: 8p23.3.
Variant type: single nucleotide variant.
Coding change: c.325G>A on transcript NM_014629.4 (MANE Select); coding-DNA position 325, G replaced by A.
Protein change: p.Val109Met; replaces valine 109 with methionine.
Molecular consequence: missense variant.
Genome position (GRCh38, 1-based): chr8:1,860,028, G>A. VCF-style: chr8-1860028-G-A. GRCh37 (hg19) VCF-style: chr8-1808194-G-A.
Other names: c.325G>A, p.Val109Met (NM_001308152.2, NM_001308153.3); short protein forms V133M, V109M.
Identifiers: ClinVar variation 1515384 (VCV001515384.9), dbSNP rs752653850, ClinGen allele CA4599718.

ClinVar aggregate classification (germline): Uncertain significance. Review status: criteria provided, multiple submitters, no conflicts (2 of 4 stars). 2 submissions from 2 submitters: Uncertain significance (2). Last evaluated 2024-09-09.

Allele frequency attached by ClinVar (database versions not stated): ExAC 0.00001.
gnomAD v4.1: 13 of 1,613,902 alleles (0.00081%); highest among the groups gnomAD compares: Middle Eastern, 0.017%; no homozygotes.

Submissions (2):

Ambry Genetics
Classification: Uncertain significance. Last evaluated: 2024-09-09. Review status: criteria provided, single submitter. Criteria: Ambry Variant Classification Scheme 2023. Collection method: clinical testing. Allele origin: germline.

Labcorp Genetics (formerly Invitae), Labcorp
Classification: Uncertain significance. Last evaluated: 2023-10-13. Review status: criteria provided, single submitter. Criteria: Invitae Variant Classification Sherloc (09022015). Collection method: clinical testing. Allele origin: germline.
Comment: This sequence change replaces valine, which is neutral and non-polar, with methionine, which is neutral and non-polar, at codon 109 of the ARHGEF10 protein (p.Val109Met). This variant is present in population databases (rs752653850, gnomAD 0.02%). This variant has not been reported in the literature in individuals affected with ARHGEF10-related conditions. ClinVar contains an entry for this variant (Variation ID: 1515384). An algorithm developed to predict the effect of missense changes on protein structure and function (PolyPhen-2) suggests that this variant is likely to be disruptive. In summary, the available evidence is currently insufficient to determine the role of this variant in disease. Therefore, it has been classified as a Variant of Uncertain Significance.